The following is an entry in ClinVar:

NM_001036.6(RYR3):c.1300C>T (p.Leu434=)

Gene: RYR3 (ryanodine receptor 3; plus strand). Cytogenetic location: 15q14.
Variant type: single nucleotide variant.
Coding change: c.1300C>T on transcript NM_001036.6 (MANE Select); coding-DNA position 1300, C replaced by T.
Protein change: p.Leu434=; no amino-acid change (leucine 434 retained).
Molecular consequence: synonymous variant.
Genome position (GRCh38, 1-based): chr15:33,580,007, C>T. VCF-style: chr15-33580007-C-T. GRCh37 (hg19) VCF-style: chr15-33872208-C-T.
Other names: c.1300C>T, p.Leu434= (NM_001243996.4).
Identifiers: ClinVar variation 4872933 (VCV004872933.3).

ClinVar aggregate classification (germline): Likely benign. Review status: criteria provided, multiple submitters, no conflicts (2 of 4 stars). 2 submissions from 2 submitters: Likely benign (2). Last evaluated 2026-05-01.

gnomAD v4.1: 32 of 1,612,888 alleles (0.002%); highest among the groups gnomAD compares: Admixed American, 0.005%; no homozygotes.

Submissions (2):

CeGaT Center for Human Genetics Tuebingen
Classification: Likely benign. Last evaluated: 2026-05-01. Review status: criteria provided, single submitter. Criteria: CeGaT Center For Human Genetics Tuebingen Variant Classification Criteria Version 2. Collection method: clinical testing. Allele origin: germline. Affected: yes. Observed: 1 variant allele.
Comment: RYR3: BP4, BP7

Blueprint Genetics
Classification: Likely benign. Last evaluated: 2024-11-13. Review status: criteria provided, single submitter. Criteria: ACMG Guidelines, 2015. Collection method: clinical testing. Allele origin: germline.